The following is an entry in ClinVar:

ClinVar aggregate classification (germline): Uncertain significance (1 of 4 stars; one submission).

Conditions:
Tuberous sclerosis syndrome (TSC). Also called: Tuberous Sclerosis Complex; Tuberous sclerosis. Identifiers: Orphanet 805, MedGen C0041341, MONDO:0001734.

gnomAD v4.1: 1 of 1,605,174 alleles (0.000062%); no homozygotes.

Submission:

All of Us Research Program, National Institutes of Health
Classification: Uncertain significance for Tuberous sclerosis syndrome. Last evaluated: 2024-02-22. Review status: criteria provided, single submitter. Criteria: ACMG Guidelines, 2015. Collection method: clinical testing. Allele origin: germline. Inheritance: Autosomal dominant inheritance. Observed: 1 variant allele, 1 heterozygote.
Comment: This missense variant replaces glutamine with glutamic acid at codon 1686 of the TSC2 protein. Computational prediction suggests that this variant may have deleterious impact on protein structure and function (internally defined REVEL score threshold >= 0.7, PMID: 27666373). To our knowledge, functional studies have not been reported for this variant. This variant has not been reported in individuals affected with TSC2-related disorders in the literature. This variant has been identified in 1/249856 chromosomes in the general population by the Genome Aggregation Database (gnomAD). The available evidence is insufficient to determine the role of this variant in disease conclusively. Therefore, this variant is classified as a Variant of Uncertain Significance.

This study involves interpretation of variants in research participants for the purpose of population health screening. Participant phenotype was not available at the time of variant classification. Additional details can be found in publication PMID: 35346344, PMCID: PMC8962531

NM_000548.5(TSC2):c.5056C>G (p.Gln1686Glu)

Gene: TSC2 (TSC complex subunit 2; plus strand). Cytogenetic location: 16p13.3.
Variant type: single nucleotide variant.
Coding change: c.5056C>G on transcript NM_000548.5 (MANE Select); coding-DNA position 5056, C replaced by G.
Protein change: p.Gln1686Glu; replaces glutamine 1686 with glutamic acid.
Molecular consequence: missense variant. On other transcripts: non-coding transcript variant (5).
Genome position (GRCh38, 1-based): chr16:2,087,929, C>G. VCF-style: chr16-2087929-C-G. GRCh37 (hg19) VCF-style: chr16-2137930-C-G.
Other names: c.4840C>G, p.Gln1614Glu (NM_001406675.1); c.4837C>G, p.Gln1613Glu (NM_001406676.1); c.4798C>G, p.Gln1600Glu (NM_001406677.1); c.4744C>G, p.Gln1582Glu (NM_001406678.1); c.4708C>G, p.Gln1570Glu (NM_001406679.1); c.4456C>G, p.Gln1486Glu (NM_001406680.1); c.4396C>G, p.Gln1466Glu (NM_001406681.1); c.4387C>G, p.Gln1463Glu (NM_001406682.1, NM_001406683.1); and 26 more; short protein forms Q1085E, Q1171E, Q1172E, Q1194E, Q1195E, Q1215E, Q1419E, Q1420E.
Identifiers: ClinVar variation 3386184 (VCV003386184.1).
Genomic context (GRCh38, chr16:2,087,929, plus strand): 5'-TTCAACTTTGTCCACGTGATCGTCACCCCGCTGGACTACGAGTGCAACCTGGTGTCCCTG[C>G]AGTGCAGGAAAGGTAGGGCCGGGTGGGGCCCTGCAGTGCAGGAAAGGTAGGGCCGGGTGG-3'
Protein context (NP_000539.2, residues 1676-1696): LDYECNLVSL[Gln1686Glu]CRKDMEGLVD